The following is an entry in ClinVar:

ClinVar aggregate classification (germline): Uncertain significance. Review status: criteria provided, multiple submitters, no conflicts (2 of 4 stars). 2 submissions from 2 submitters: Uncertain significance (2). Last evaluated 2024-02-28.

Conditions:
Cardiovascular phenotype. Identifiers: MedGen CN230736.
Long QT syndrome (LQTS). Identifiers: MedGen C0023976, MeSH D008133, MONDO:0002442. Disease mechanism: loss of function. Inheritance: Various modes of inheritance.

Allele frequency attached by ClinVar (database versions not stated): ExAC 0.00005.
gnomAD v4.1: 1 of 1,580,748 alleles (0.000063%); no homozygotes.

Submissions (2):

Ambry Genetics
Classification: Uncertain significance for Cardiovascular phenotype. Last evaluated: 2024-02-28. Review status: criteria provided, single submitter. Criteria: Ambry Variant Classification Scheme 2023. Collection method: clinical testing. Allele origin: germline.
Comment: The p.E1806K variant (also known as c.5416G>A), located in coding exon 42 of the CACNA1C gene, results from a G to A substitution at nucleotide position 5416. The glutamic acid at codon 1806 is replaced by lysine, an amino acid with similar properties. This amino acid position is not well conserved in available vertebrate species. In addition, the in silico prediction for this alteration is inconclusive. Based on the available evidence, the clinical significance of this alteration remains unclear.

Labcorp Genetics (formerly Invitae), Labcorp
Classification: Uncertain significance for Long QT syndrome. Last evaluated: 2023-07-07. Review status: criteria provided, single submitter. Criteria: Invitae Variant Classification Sherloc (09022015). Collection method: clinical testing. Allele origin: germline.
Comment: In summary, the available evidence is currently insufficient to determine the role of this variant in disease. Therefore, it has been classified as a Variant of Uncertain Significance. Advanced modeling of protein sequence and biophysical properties (such as structural, functional, and spatial information, amino acid conservation, physicochemical variation, residue mobility, and thermodynamic stability) performed at Invitae indicates that this missense variant is not expected to disrupt CACNA1C protein function. This variant has not been reported in the literature in individuals affected with CACNA1C-related conditions. The frequency data for this variant in the population databases is considered unreliable, as metrics indicate poor data quality at this position in the gnomAD database. This sequence change replaces glutamic acid, which is acidic and polar, with lysine, which is basic and polar, at codon 1806 of the CACNA1C protein (p.Glu1806Lys).

NM_000719.7(CACNA1C):c.5416G>A (p.Glu1806Lys)

Genes: CACNA1C (calcium voltage-gated channel subunit alpha1 C; plus strand), CACNA1C-AS1 (CACNA1C antisense RNA 1; minus strand). Cytogenetic location: 12p13.33.
Variant type: single nucleotide variant.
Coding change: c.5416G>A on transcript NM_000719.7 (MANE Select); coding-DNA position 5416, G replaced by A.
Protein change: p.Glu1806Lys; replaces glutamic acid 1806 with lysine.
Molecular consequence: missense variant.
Genome position (GRCh38, 1-based): chr12:2,679,768, G>A. VCF-style: chr12-2679768-G-A. GRCh37 (hg19) VCF-style: chr12-2788934-G-A.
Other names: c.5539G>A, p.Glu1847Lys (NM_001129829.2); c.5416G>A, p.Glu1806Lys (NM_001129830.3, NM_001129841.2, NM_001129842.2 and 4 more transcripts); c.5500G>A, p.Glu1834Lys (NM_001129831.2); c.5476G>A, p.Glu1826Lys (NM_001129832.2); c.5473G>A, p.Glu1825Lys (NM_001129835.2, NM_001129833.2, NM_001129834.2); c.5467G>A, p.Glu1823Lys (NM_001129836.2); c.5440G>A, p.Glu1814Lys (NM_001129837.2, NM_001129838.2); c.5407G>A, p.Glu1803Lys (NM_001129844.2); and 3 more; short protein forms E1806K, E1814K, E1803K, E1812K, E1825K, E1826K, E1834K, E1854K.
Identifiers: ClinVar variation 3008160 (VCV003008160.4), dbSNP rs754402313, ClinGen allele CA6389778.